The following is an entry in ClinVar:

NM_007186.6(CEP250):c.4978C>A (p.Leu1660Met)

Gene: CEP250 (centrosomal protein 250; plus strand). Cytogenetic location: 20q11.22.
Variant type: single nucleotide variant.
Coding change: c.4978C>A on transcript NM_007186.6 (MANE Select); coding-DNA position 4978, C replaced by A.
Protein change: p.Leu1660Met; replaces leucine 1660 with methionine.
Molecular consequence: missense variant.
Genome position (GRCh38, 1-based): chr20:35,503,347, C>A. VCF-style: chr20-35503347-C-A. GRCh37 (hg19) VCF-style: chr20-34091175-C-A.
Other names: c.3082C>A, p.Leu1028Met (NM_001318219.1); short protein forms L1028M, L1660M.
Identifiers: ClinVar variation 1519337 (VCV001519337.6), dbSNP rs551222580, ClinGen allele CA9833797.

ClinVar aggregate classification (germline): Uncertain significance (1 of 4 stars; one submission).

Allele frequency attached by ClinVar (database versions not stated): gnomAD exomes below 0.00001; ExAC 0.00001; gnomAD 0.00001; 1000 Genomes Project 30x 0.00016; 1000 Genomes Project 0.00020.
gnomAD v4.1: 1 of 1,614,070 alleles (0.000062%); highest among the groups gnomAD compares: Non-Finnish European, 0.000085%; no homozygotes.

Submission:

Labcorp Genetics (formerly Invitae), Labcorp
Classification: Uncertain significance. Last evaluated: 2024-11-11. Review status: criteria provided, single submitter. Criteria: Invitae Variant Classification Sherloc (09022015). Collection method: clinical testing. Allele origin: germline.
Comment: This sequence change replaces leucine with methionine at codon 1660 of the CEP250 protein (p.Leu1660Met). The leucine residue is moderately conserved and there is a small physicochemical difference between leucine and methionine. This variant is present in population databases (rs551222580, gnomAD 0.0009%). This variant has not been reported in the literature in individuals affected with CEP250-related conditions. ClinVar contains an entry for this variant (Variation ID: 1519337). An algorithm developed to predict the effect of missense changes on protein structure and function outputs the following: PolyPhen-2: "Benign". The methionine amino acid residue is found in multiple mammalian species, which suggests that this missense change does not adversely affect protein function. In summary, the available evidence is currently insufficient to determine the role of this variant in disease. Therefore, it has been classified as a Variant of Uncertain Significance.